The following is an entry in ClinVar:

NM_182961.4(SYNE1):c.7532_7533del (p.Gln2511fs)

Gene: SYNE1 (spectrin repeat containing nuclear envelope protein 1; minus strand). Cytogenetic location: 6q25.2.
Variant type: Deletion.
Coding change: c.7532_7533del on transcript NM_182961.4 (MANE Select); coding-DNA positions 7532 to 7533, 2 bases deleted (AA; older notation c.7532_7533delAA).
Protein change: p.Gln2511fs; shifts the reading frame from glutamine 2511.
Molecular consequence: frameshift variant.
Genome position (GRCh38, 1-based): chr6:152,396,798-152,396,799, TT deleted on the plus strand (AA on the coding strand, the reverse complement: SYNE1 is on the minus strand). VCF-style (leftmost placement, unchanged base first): chr6-152396797-CTT-C. GRCh37 (hg19) VCF-style: chr6-152717932-CTT-C.
Other names: c.7553_7554del, p.Gln2518fs (NM_033071.5); short protein forms Q2511fs, Q2518fs.
Identifiers: ClinVar variation 2657028 (VCV002657028.24), dbSNP rs2493728085, ClinGen allele CA2695198378.
Genomic context (GRCh38, chr6:152,396,797, plus strand): 5'-GGTGTATGATGAAATCTATGTTTGTTAAACTAACCTACCTTCCAAGTTCTGAAGCACAGT[CTT>C]GAAGAGCCTGCTTATCTTTAAGGCATTGTTTCAGAAATGCTTGAAACTCTTCATTGGCCT-3'

ClinVar aggregate classification (germline): Uncertain significance (1 of 4 stars; one submission).

Submission:

CeGaT Center for Human Genetics Tuebingen
Classification: Uncertain significance. Last evaluated: 2023-03-01. Review status: criteria provided, single submitter. Criteria: CeGaT Center For Human Genetics Tuebingen Variant Classification Criteria Version 2. Collection method: clinical testing. Allele origin: germline. Affected: yes. Observed: 1 variant allele.
Comment: SYNE1: PM2, PVS1:Moderate